The following is an entry in ClinVar:

ClinVar aggregate classification (germline): Uncertain significance. Review status: criteria provided, multiple submitters, no conflicts (2 of 4 stars). 3 submissions from 3 submitters: Uncertain significance (3). Last evaluated 2024-12-10.

Conditions:
Inborn genetic diseases. Identifiers: MedGen C0950123, MeSH D030342.
Ullrich congenital muscular dystrophy 2 (UCMD2). Identifiers: Orphanet 75840, MedGen C4225314, MONDO:0014654, OMIM 616470.
Bethlem myopathy 2 (BTHLM2). Identifiers: Orphanet 536516, Orphanet 610, MedGen C4225313, MONDO:0034022, OMIM 616471.

Allele frequency attached by ClinVar (database versions not stated): gnomAD exomes below 0.00001 and 0.00002; ExAC 0.00002.
gnomAD v4.1: 3 of 1,614,094 alleles (0.00019%); highest among the groups gnomAD compares: Non-Finnish European, 0.00025%; no homozygotes.

Submissions (3):

Labcorp Genetics (formerly Invitae), Labcorp
Classification: Uncertain significance for Bethlem myopathy 2; Ullrich congenital muscular dystrophy 2. Last evaluated: 2024-12-10. Review status: criteria provided, single submitter. Criteria: Invitae Variant Classification Sherloc (09022015). Collection method: clinical testing. Allele origin: germline.
Comment: This sequence change replaces alanine, which is neutral and non-polar, with threonine, which is neutral and polar, at codon 1882 of the COL12A1 protein (p.Ala1882Thr). This variant is present in population databases (rs757943935, gnomAD 0.004%). This variant has not been reported in the literature in individuals affected with COL12A1-related conditions. ClinVar contains an entry for this variant (Variation ID: 1399889). Invitae Evidence Modeling of protein sequence and biophysical properties (such as structural, functional, and spatial information, amino acid conservation, physicochemical variation, residue mobility, and thermodynamic stability) indicates that this missense variant is not expected to disrupt COL12A1 protein function with a negative predictive value of 80%. In summary, the available evidence is currently insufficient to determine the role of this variant in disease. Therefore, it has been classified as a Variant of Uncertain Significance.

Ambry Genetics
Classification: Uncertain significance for Inborn genetic diseases. Last evaluated: 2024-09-10. Review status: criteria provided, single submitter. Criteria: Ambry Variant Classification Scheme 2023. Collection method: clinical testing. Allele origin: germline.

Mayo Clinic Laboratories, Mayo Clinic
Classification: Uncertain significance. Last evaluated: 2023-07-06. Review status: criteria provided, single submitter. Criteria: ACMG Guidelines, 2015. Collection method: clinical testing. Allele origin: germline. Observed: 1 variant allele.
Comment: BP4

NM_004370.6(COL12A1):c.5644G>A (p.Ala1882Thr)

Gene: COL12A1 (collagen type XII alpha 1 chain; minus strand). Cytogenetic location: 6q13.
Variant type: single nucleotide variant.
Coding change: c.5644G>A on transcript NM_004370.6 (MANE Select); coding-DNA position 5644, G replaced by A.
Protein change: p.Ala1882Thr; replaces alanine 1882 with threonine.
Molecular consequence: missense variant.
Genome position (GRCh38, 1-based): chr6:75,133,878, C>T on the plus strand (G>A on the coding strand, the complement: COL12A1 is on the minus strand). VCF-style: chr6-75133878-C-T. GRCh37 (hg19) VCF-style: chr6-75843594-C-T.
Other names: p.Ala1882Thr; c.2152G>A, p.Ala718Thr (NM_080645.3); c.5644G>A (NM_004370.5); short protein forms A1882T, A718T.
Identifiers: ClinVar variation 1399889 (VCV001399889.11), dbSNP rs757943935, ClinGen allele CA3893069.
Genomic context (GRCh38, chr6:75,133,878, plus strand): 5'-TTTAAACAAACTAGCATTTTTTACTACAAGAAATAATTACCAGTTCCTCTGGACCACCTG[C>T]TGCTGGTGCATAGAAGAGCTTGTACTGACGAGGATTTCCCTCTGCATGGTCCCAGCGGAC-3'
Protein context (NP_004361.3, residues 1872-1892): RQYKLFYAPA[Ala1882Thr]GGPEELVPIP